The following is an entry in ClinVar:

ClinVar aggregate classification (germline): Benign (1 of 4 stars; one submission).

Conditions:
Papillary renal cell carcinoma type 1 (RCCP1). Also called: RENAL CELL CARCINOMA, PAPILLARY, 1, SOMATIC; Renal adenocarcinoma; Renal cell carcinoma 1; Renal cell carcinoma, somatic. Identifiers: Orphanet 47044, MedGen C1336839, OMIM 605074, HP:0011797.

gnomAD v4.1: 1 of 1,614,238 alleles (0.000062%); highest among the groups gnomAD compares: Non-Finnish European, 0.000085%; no homozygotes.

Submission:

Myriad Genetics, Inc.
Classification: Benign for Papillary renal cell carcinoma type 1. Last evaluated: 2024-11-13. Review status: criteria provided, single submitter. Criteria: Myriad Autosomal Dominant, Autosomal Recessive and X-Linked Classification Criteria (2023). Collection method: clinical testing. Allele origin: unknown.
Comment: This variant is considered benign. This variant is a silent/synonymous amino acid change and it is not expected to impact splicing.

NM_000245.4(MET):c.3159T>A (p.Ile1053=)

Gene: MET (MET proto-oncogene, receptor tyrosine kinase; plus strand). Cytogenetic location: 7q31.2.
Variant type: single nucleotide variant.
Coding change: c.3159T>A on transcript NM_000245.4 (MANE Select); coding-DNA position 3159, T replaced by A.
Protein change: p.Ile1053=; no amino-acid change (isoleucine 1053 retained).
Molecular consequence: synonymous variant.
Genome position (GRCh38, 1-based): chr7:116,775,011, T>A. VCF-style: chr7-116775011-T-A. GRCh37 (hg19) VCF-style: chr7-116415065-T-A.
Other names: c.1869T>A, p.Ile623= (NM_001324402.2); c.3213T>A, p.Ile1071= (NM_001127500.3).
Identifiers: ClinVar variation 3773471 (VCV003773471.1).